The following is an entry in ClinVar:

NM_004646.4(NPHS1):c.1724C>T (p.Pro575Leu)

Gene: NPHS1 (NPHS1 adhesion molecule, nephrin; minus strand). Cytogenetic location: 19q13.12.
Variant type: single nucleotide variant.
Coding change: c.1724C>T on transcript NM_004646.4 (MANE Select); coding-DNA position 1724, C replaced by T.
Protein change: p.Pro575Leu; replaces proline 575 with leucine.
Molecular consequence: missense variant.
Genome position (GRCh38, 1-based): chr19:35,845,702, G>A on the plus strand (C>T on the coding strand, the complement: NPHS1 is on the minus strand). VCF-style: chr19-35845702-G-A. GRCh37 (hg19) VCF-style: chr19-36336604-G-A.
Other names: short protein forms P575L.
Identifiers: ClinVar variation 3233492 (VCV003233492.2), dbSNP rs386833890, ClinGen allele CA405399683.

ClinVar aggregate classification (germline): Uncertain significance (1 of 4 stars; one submission).

gnomAD v4.1: 1 of 1,614,044 alleles (0.000062%); highest among the groups gnomAD compares: Admixed American, 0.0017%; no homozygotes.

Submission:

Women's Health and Genetics/Laboratory Corporation of America, LabCorp
Classification: Uncertain significance. Last evaluated: 2024-03-29. Review status: criteria provided, single submitter. Criteria: LabCorp Variant Classification Summary - May 2015. Collection method: clinical testing. Allele origin: germline.
Comment: Variant summary: NPHS1 c.1724C>T (p.Pro575Leu) results in a non-conservative amino acid change located in the Immunoglobulin subtype 2 (IPR003598) of the encoded protein sequence. Three of five in-silico tools predict a benign effect of the variant on protein function. The variant allele was found at a frequency of 4e-06 in 250480 control chromosomes. The available data on variant occurrences in the general population are insufficient to allow any conclusion about variant significance. To our knowledge, no occurrence of c.1724C>T in individuals affected with Nephrotic Syndrome, Type 1 and no experimental evidence demonstrating its impact on protein function have been reported. No submitters have cited clinical-significance assessments for this variant to ClinVar. Based on the evidence outlined above, the variant was classified as uncertain significance.